The following is an entry in ClinVar:

ClinVar aggregate classification (germline): Uncertain significance (1 of 4 stars; one submission).

Submission:

GeneDx
Classification: Uncertain significance. Last evaluated: 2026-03-30. Review status: criteria provided, single submitter. Criteria: GeneDx Variant Classification Process June 2021. Collection method: clinical testing. Allele origin: germline.
Comment: Canonical splice site variant predicted to result in a null allele in a gene for which loss of function is a known mechanism of disease; Located in a regulatory region; in the absence of functional studies, the actual effect of this sequence change is unknown; No data available from ethnically-matched control populations to assess the frequency of this variant; Has not been previously published as pathogenic or benign to our knowledge

NM_001085458.2(CTNND1):c.-94-1G>T

Genes: CTNND1 (catenin delta 1; plus strand), TMX2-CTNND1 (TMX2-CTNND1 readthrough (NMD candidate); plus strand). Cytogenetic location: 11q12.1.
Variant type: single nucleotide variant.
Coding change: c.-94-1G>T on transcript NM_001085458.2 (MANE Select); the canonical splice acceptor site of the intron before 94 bases upstream of the start codon, G replaced by T.
Molecular consequence: splice acceptor variant. On other transcripts: intron variant (15).
Genome position (GRCh38, 1-based): chr11:57,791,384, G>T. VCF-style: chr11-57791384-G-T. GRCh37 (hg19) VCF-style: chr11-57558856-G-T.
Other names: c.-94-1G>T (NM_001206885.2, NM_001085459.2, NM_001085461.2 and 3 more transcripts); c.-147-110G>T (NM_001206891.2, NM_001206889.2, NM_001206883.2 and 4 more transcripts); c.-108-2626G>T (NM_001085467.2, NM_001206890.2, NM_001085463.2 and 4 more transcripts); c.-36-4193G>T (NM_001085469.2).
Identifiers: ClinVar variation 5017980 (VCV005017980.1).